The following is an entry in ClinVar:

ClinVar aggregate classification (germline): Uncertain significance (1 of 4 stars; one submission).

Conditions:
Renal hypodysplasia/aplasia 1 (RHDA1). Also called: HEREDITARY RENAL APLASIA; RENAL APLASIA. Identifiers: Orphanet 411709, MedGen C1619700, MONDO:0024519, OMIM 191830.

Submission:

Mendelics
Classification: Uncertain significance for Renal hypodysplasia/aplasia 1. Last evaluated: 2026-03-05. Review status: criteria provided, single submitter. Criteria: ACMG Guidelines, 2015. Collection method: clinical testing. Allele origin: unknown.
Comment: The available evidence is insufficient to conclusively determine the role of this variant. Therefore, it is classified as a Variant of Uncertain Significance.

NM_003638.3(ITGA8):c.448T>C (p.Cys150Arg)

Gene: ITGA8 (integrin subunit alpha 8; minus strand). Cytogenetic location: 10p13.
Variant type: single nucleotide variant.
Coding change: c.448T>C on transcript NM_003638.3 (MANE Select); coding-DNA position 448, T replaced by C.
Protein change: p.Cys150Arg; replaces cysteine 150 with arginine.
Molecular consequence: missense variant.
Genome position (GRCh38, 1-based): chr10:15,684,124, A>G on the plus strand (T>C on the coding strand, the complement: ITGA8 is on the minus strand). VCF-style: chr10-15684124-A-G. GRCh37 (hg19) VCF-style: chr10-15726123-A-G.
Other names: c.448T>C, p.Cys150Arg (NM_001291494.2); short protein forms C150R.
Identifiers: ClinVar variation 4813521 (VCV004813521.1).
Genomic context (GRCh38, chr10:15,684,124, plus strand): 5'-TGCCAACTGGGTCCTTTTCTGGTGTCGGTTTAAGAGTTCTCCAGTGATATAAAGGAGCAC[A>G]GGCCTAGGAAACATCAAAGACAAAAAAATACATTTTTGATGTAGGTTTCTCATACTACAG-3'
Protein context (NP_003629.2, residues 140-160): VKAHKGKVVA[Cys150Arg]APLYHWRTLK